The following is an entry in ClinVar:

NM_004655.4(AXIN2):c.1341C>G (p.Leu447=)

Gene: AXIN2 (axin 2; minus strand). Cytogenetic location: 17q24.1.
Variant type: single nucleotide variant.
Coding change: c.1341C>G on transcript NM_004655.4 (MANE Select); coding-DNA position 1341, C replaced by G.
Protein change: p.Leu447=; no amino-acid change (leucine 447 retained).
Molecular consequence: synonymous variant.
Genome position (GRCh38, 1-based): chr17:65,537,695, G>C on the plus strand (C>G on the coding strand, the complement: AXIN2 is on the minus strand). VCF-style: chr17-65537695-G-C. GRCh37 (hg19) VCF-style: chr17-63533813-G-C.
Other names: c.1341C>G, p.Leu447= (NM_001363813.1).
Identifiers: ClinVar variation 1936338 (VCV001936338.7), dbSNP rs2144465433, ClinGen allele CA501691251.

ClinVar aggregate classification (germline): Benign/Likely benign. Review status: criteria provided, multiple submitters, no conflicts (2 of 4 stars). 3 submissions from 3 submitters: Benign (1); Likely benign (2). Last evaluated 2025-06-22.

Conditions:
Hereditary cancer-predisposing syndrome. Also called: Neoplastic Syndromes, Hereditary; Hereditary Cancer Syndrome; Tumor predisposition; Hereditary neoplastic syndrome. Identifiers: Orphanet 140162, MedGen C0027672, MeSH D009386, MONDO:0015356.
Oligodontia-cancer predisposition syndrome. Also called: TOOTH AGENESIS-COLORECTAL CANCER SYNDROME. Identifiers: Orphanet 300576, MedGen C1837750, MONDO:0012075, OMIM 608615. Disease mechanism: loss of function.

gnomAD v4.1: 1 of 1,556,962 alleles (0.000064%); highest among the groups gnomAD compares: South Asian, 0.0012%; no homozygotes.

Submissions (3):

Ambry Genetics
Classification: Likely benign for Hereditary cancer-predisposing syndrome. Last evaluated: 2025-06-22. Review status: criteria provided, single submitter. Criteria: Ambry Variant Classification Scheme 2023. Collection method: clinical testing. Allele origin: germline.

Labcorp Genetics (formerly Invitae), Labcorp
Classification: Likely benign for Oligodontia-cancer predisposition syndrome. Last evaluated: 2024-07-20. Review status: criteria provided, single submitter. Criteria: Invitae Variant Classification Sherloc (09022015). Collection method: clinical testing. Allele origin: germline.

Myriad Genetics, Inc.
Classification: Benign for Oligodontia-cancer predisposition syndrome. Last evaluated: 2024-07-02. Review status: criteria provided, single submitter. Criteria: Myriad Autosomal Dominant, Autosomal Recessive and X-Linked Classification Criteria (2023). Collection method: clinical testing. Allele origin: unknown.
Comment: This variant is considered benign. This variant is a silent/synonymous amino acid change and it is not expected to impact splicing.